The following is an entry in ClinVar:

NM_000257.4(MYH7):c.1605A>C (p.Glu535Asp)

Gene: MYH7 (myosin heavy chain 7; minus strand). Cytogenetic location: 14q11.2.
Variant type: single nucleotide variant.
Coding change: c.1605A>C on transcript NM_000257.4 (MANE Select); coding-DNA position 1605, A replaced by C.
Protein change: p.Glu535Asp; replaces glutamic acid 535 with aspartic acid.
Molecular consequence: missense variant.
Genome position (GRCh38, 1-based): chr14:23,427,868, T>G on the plus strand (A>C on the coding strand, the complement: MYH7 is on the minus strand). VCF-style: chr14-23427868-T-G. GRCh37 (hg19) VCF-style: chr14-23897077-T-G.
Other names: short protein forms E535D.
Identifiers: ClinVar variation 1038801 (VCV001038801.9), dbSNP rs2069543, ClinGen allele CA389050214.

ClinVar aggregate classification (germline): Uncertain significance. Review status: criteria provided, multiple submitters, no conflicts (2 of 4 stars). 2 submissions from 2 submitters: Uncertain significance (2). Last evaluated 2026-04-28.

Conditions:
Cardiovascular phenotype. Identifiers: MedGen CN230736.
Hypertrophic cardiomyopathy. Also called: HYPERTROPHIC MYOCARDIOPATHY. Identifiers: Orphanet 217569, MedGen C0007194, MeSH D002312, MONDO:0005045, HP:0001639.

Submissions (2):

Ambry Genetics
Classification: Uncertain significance for Cardiovascular phenotype. Last evaluated: 2026-04-28. Review status: criteria provided, single submitter. Criteria: Ambry Variant Classification Scheme 2023. Collection method: clinical testing. Allele origin: germline.
Comment: The p.E535D variant (also known as c.1605A>C), located in coding exon 14 of the MYH7 gene, results from an A to C substitution at nucleotide position 1605. The glutamic acid at codon 535 is replaced by aspartic acid, an amino acid with highly similar properties. This amino acid position is highly conserved in available vertebrate species. In addition, the in silico prediction for this alteration is inconclusive. Based on the available evidence, the clinical significance of this variant remains unclear.

Labcorp Genetics (formerly Invitae), Labcorp
Classification: Uncertain significance for Hypertrophic cardiomyopathy. Last evaluated: 2020-10-16. Review status: criteria provided, single submitter. Criteria: Invitae Variant Classification Sherloc (09022015). Collection method: clinical testing. Allele origin: germline.
Comment: Algorithms developed to predict the effect of missense changes on protein structure and function (SIFT, PolyPhen-2, Align-GVGD) all suggest that this variant is likely to be disruptive, but these predictions have not been confirmed by published functional studies and their clinical significance is uncertain. This sequence change replaces glutamic acid with aspartic acid at codon 535 of the MYH7 protein (p.Glu535Asp). The glutamic acid residue is highly conserved and there is a small physicochemical difference between glutamic acid and aspartic acid. This variant is not present in population databases (ExAC no frequency). This variant has been observed in individual(s) with MYH7-related conditions (Invitae). This variant is found within a region of MYH7 between codons 181 and 937 that contains the majority of the myosin head domain. Missense variants in this region have been shown to be significantly overrepresented in individuals with hypertrophic cardiomyopathy (PMID: 27532257). In summary, the available evidence is currently insufficient to determine the role of this variant in disease. Therefore, it has been classified as a Variant of Uncertain Significance.

Literature cited by the submitters: PubMed 27532257 (cited by Labcorp Genetics (formerly Invitae), Labcorp).